The following is an entry in ClinVar:

ClinVar aggregate classification (germline): Uncertain significance. Review status: criteria provided, multiple submitters, no conflicts (2 of 4 stars). 3 submissions from 3 submitters: Uncertain significance (3). Last evaluated 2025-07-01.

Conditions:
Ehlers-Danlos syndrome (EDS). Identifiers: Orphanet 98249, MedGen C0013720, MONDO:0020066.
Congenital contractural arachnodactyly (CCA). Also called: Beals-Hecht syndrome; Arthrogryposis, distal, type 9; BEALS SYNDROME. Identifiers: Orphanet 115, MedGen C0220668, MONDO:0007363, OMIM 121050.

Submissions (3):

CeGaT Center for Human Genetics Tuebingen
Classification: Uncertain significance. Last evaluated: 2025-07-01. Review status: criteria provided, single submitter. Criteria: CeGaT Center For Human Genetics Tuebingen Variant Classification Criteria Version 2. Collection method: clinical testing. Allele origin: germline. Affected: yes. Observed: 5 variant alleles.
Comment: FBN2: PM2

Labcorp Genetics (formerly Invitae), Labcorp
Classification: Uncertain significance for Congenital contractural arachnodactyly. Last evaluated: 2025-06-27. Review status: criteria provided, single submitter. Criteria: Invitae Variant Classification Sherloc (09022015). Collection method: clinical testing. Allele origin: germline.
Comment: This sequence change replaces valine, which is neutral and non-polar, with isoleucine, which is neutral and non-polar, at codon 199 of the FBN2 protein (p.Val199Ile). This variant is not present in population databases (gnomAD no frequency). This variant has not been reported in the literature in individuals affected with FBN2-related conditions. ClinVar contains an entry for this variant (Variation ID: 624064). Invitae Evidence Modeling of protein sequence and biophysical properties (such as structural, functional, and spatial information, amino acid conservation, physicochemical variation, residue mobility, and thermodynamic stability) indicates that this missense variant is not expected to disrupt FBN2 protein function with a negative predictive value of 95%. In summary, the available evidence is currently insufficient to determine the role of this variant in disease. Therefore, it has been classified as a Variant of Uncertain Significance.

Genome Diagnostics Laboratory, The Hospital for Sick Children
Classification: Uncertain significance for Ehlers-Danlos syndrome. Last evaluated: 2020-06-01. Review status: criteria provided, single submitter. Criteria: ACMG Guidelines, 2015. Collection method: clinical testing. Allele origin: germline.

NM_001999.4(FBN2):c.595G>A (p.Val199Ile)

Gene: FBN2 (fibrillin 2; minus strand). Cytogenetic location: 5q23.3.
Variant type: single nucleotide variant.
Coding change: c.595G>A on transcript NM_001999.4 (MANE Select); coding-DNA position 595, G replaced by A.
Protein change: p.Val199Ile; replaces valine 199 with isoleucine.
Molecular consequence: missense variant.
Genome position (GRCh38, 1-based): chr5:128,519,306, C>T on the plus strand (G>A on the coding strand, the complement: FBN2 is on the minus strand). VCF-style: chr5-128519306-C-T. GRCh37 (hg19) VCF-style: chr5-127854999-C-T.
Other names: short protein forms V199I.
Identifiers: ClinVar variation 624064 (VCV000624064.47), dbSNP rs1561495409, ClinGen allele CA360755844.